The following is an entry in ClinVar:

NM_012478.4(WBP2):c.455C>T (p.Ala152Val)

Gene: WBP2 (WW domain binding protein 2; minus strand). Cytogenetic location: 17q25.1.
Variant type: single nucleotide variant.
Coding change: c.455C>T on transcript NM_012478.4 (MANE Select); coding-DNA position 455, C replaced by T.
Protein change: p.Ala152Val; replaces alanine 152 with valine.
Molecular consequence: missense variant. On other transcripts: intron variant (1).
Genome position (GRCh38, 1-based): chr17:75,847,873, G>A on the plus strand (C>T on the coding strand, the complement: WBP2 is on the minus strand). VCF-style: chr17-75847873-G-A. GRCh37 (hg19) VCF-style: chr17-73843954-G-A.
Other names: c.455C>T, p.Ala152Val (NM_001348170.1); c.398-264C>T (NM_001330499.2); short protein forms A152V.
Identifiers: ClinVar variation 3469058 (VCV003469058.2).

ClinVar aggregate classification (germline): Uncertain significance. Review status: criteria provided, multiple submitters, no conflicts (2 of 4 stars). 2 submissions from 2 submitters: Uncertain significance (2). Last evaluated 2025-05-04.

gnomAD v4.1: 26 of 1,555,908 alleles (0.0017%); highest among the groups gnomAD compares: Admixed American, 0.0097%; no homozygotes.

Submissions (2):

Labcorp Genetics (formerly Invitae), Labcorp
Classification: Uncertain significance. Last evaluated: 2025-05-04. Review status: criteria provided, single submitter. Criteria: Invitae Variant Classification Sherloc (09022015). Collection method: clinical testing. Allele origin: germline.
Comment: This sequence change replaces alanine, which is neutral and non-polar, with valine, which is neutral and non-polar, at codon 152 of the WBP2 protein (p.Ala152Val). This variant is present in population databases (rs749784833, gnomAD 0.005%). This variant has not been reported in the literature in individuals affected with WBP2-related conditions. ClinVar contains an entry for this variant (Variation ID: 3469058). Invitae Evidence Modeling of protein sequence and biophysical properties (such as structural, functional, and spatial information, amino acid conservation, physicochemical variation, residue mobility, and thermodynamic stability) indicates that this missense variant is not expected to disrupt WBP2 protein function with a negative predictive value of 80%. In summary, the available evidence is currently insufficient to determine the role of this variant in disease. Therefore, it has been classified as a Variant of Uncertain Significance.

Ambry Genetics
Classification: Uncertain significance. Last evaluated: 2024-07-23. Review status: criteria provided, single submitter. Criteria: Ambry Variant Classification Scheme 2023. Collection method: clinical testing. Allele origin: germline.